The following is an entry in ClinVar:

NM_006859.4(LIAS):c.60T>C (p.Tyr20=)

Gene: LIAS (lipoic acid synthetase; plus strand). Cytogenetic location: 4p14.
Variant type: single nucleotide variant.
Coding change: c.60T>C on transcript NM_006859.4 (MANE Select); coding-DNA position 60, T replaced by C.
Protein change: p.Tyr20=; no amino-acid change (tyrosine 20 retained).
Molecular consequence: synonymous variant.
Genome position (GRCh38, 1-based): chr4:39,460,804, T>C. VCF-style: chr4-39460804-T-C. GRCh37 (hg19) VCF-style: chr4-39462424-T-C.
Other names: c.60T>C, p.Tyr20= (NM_001278590.2, NM_001278591.2, NM_001278592.2 and 2 more transcripts).
Identifiers: ClinVar variation 472880 (VCV000472880.18), dbSNP rs201996792, ClinGen allele CA2894570.

ClinVar aggregate classification (germline): Likely benign. Review status: criteria provided, multiple submitters, no conflicts (2 of 4 stars). 4 submissions from 4 submitters: Likely benign (4). Last evaluated 2026-01-15.

Conditions:
Lipoic acid synthetase deficiency. Also called: HYPERGLYCINEMIA, LACTIC ACIDOSIS, AND SEIZURES. Identifiers: Orphanet 401859, MedGen C3280887, MONDO:0013762, OMIM 614462.

Allele frequency attached by ClinVar (database versions not stated): ExAC 0.00008; ESP Exome Variant Server 0.00008; gnomAD 0.00009 and 0.00011; gnomAD exomes 0.00009; TOPMed 0.00011; 1000 Genomes Project 30x 0.00016; 1000 Genomes Project 0.00020.
gnomAD v4.1: 148 of 1,574,658 alleles (0.0094%); highest among the groups gnomAD compares: Middle Eastern, 0.068%; no homozygotes.

Submissions (4):

Labcorp Genetics (formerly Invitae), Labcorp
Classification: Likely benign for Lipoic acid synthetase deficiency. Last evaluated: 2026-01-15. Review status: criteria provided, single submitter. Criteria: Invitae Variant Classification Sherloc (09022015). Collection method: clinical testing. Allele origin: germline.

CeGaT Center for Human Genetics Tuebingen
Classification: Likely benign. Last evaluated: 2026-01-01. Review status: criteria provided, single submitter. Criteria: CeGaT Center For Human Genetics Tuebingen Variant Classification Criteria Version 2. Collection method: clinical testing. Allele origin: germline. Affected: yes. Observed: 1 variant allele.
Comment: LIAS: BP4, BP7

Blueprint Genetics
Classification: Likely benign. Last evaluated: 2023-09-20. Review status: criteria provided, single submitter. Criteria: ACMG Guidelines, 2015. Collection method: clinical testing. Allele origin: germline.

GeneDx
Classification: Likely benign. Last evaluated: 2019-01-11. Review status: criteria provided, single submitter. Criteria: GeneDx Variant Classification Process June 2021. Collection method: clinical testing. Allele origin: germline. Affected: yes.